The following is an entry in ClinVar:

ClinVar aggregate classification (germline): Uncertain significance. Review status: criteria provided, multiple submitters, no conflicts (2 of 4 stars). 3 submissions from 3 submitters: Uncertain significance (2). 1 of the submissions does not count toward it. Last evaluated 2025-09-28.

Conditions:
Combined immunodeficiency due to LRBA deficiency. Also called: Common variable immunodeficiency 8, with autoimmunity. Identifiers: Orphanet 445018, MedGen C3553512, MONDO:0013863, OMIM 614700.
LRBA-related disorder. Also called: LRBA-related condition.
Inborn genetic diseases. Identifiers: MedGen C0950123, MeSH D030342.

Allele frequency attached by ClinVar (database versions not stated): gnomAD exomes below 0.00001 and 0.00002; ExAC 0.00002; gnomAD 0.00007 and 0.00009; TOPMed 0.00009; ESP Exome Variant Server 0.00038.
gnomAD v4.1: 15 of 1,613,922 alleles (0.00093%); highest among the groups gnomAD compares: African/African-American, 0.02%; no homozygotes.

Submissions (3):

Ambry Genetics
Classification: Uncertain significance for Inborn genetic diseases. Last evaluated: 2025-09-28. Review status: criteria provided, single submitter. Criteria: Ambry Variant Classification Scheme 2023. Collection method: clinical testing. Allele origin: germline.

Labcorp Genetics (formerly Invitae), Labcorp
Classification: Uncertain significance for Combined immunodeficiency due to LRBA deficiency. Last evaluated: 2024-07-12. Review status: criteria provided, single submitter. Criteria: Invitae Variant Classification Sherloc (09022015). Collection method: clinical testing. Allele origin: germline.
Comment: This sequence change replaces asparagine, which is neutral and polar, with serine, which is neutral and polar, at codon 1040 of the LRBA protein (p.Asn1040Ser). This variant is present in population databases (rs139100556, gnomAD 0.02%). This variant has not been reported in the literature in individuals affected with LRBA-related conditions. ClinVar contains an entry for this variant (Variation ID: 937352). Advanced modeling of protein sequence and biophysical properties (such as structural, functional, and spatial information, amino acid conservation, physicochemical variation, residue mobility, and thermodynamic stability) performed at Invitae indicates that this missense variant is not expected to disrupt LRBA protein function with a negative predictive value of 80%. In summary, the available evidence is currently insufficient to determine the role of this variant in disease. Therefore, it has been classified as a Variant of Uncertain Significance.

PreventionGenetics, part of Exact Sciences
Classification: Uncertain significance for LRBA-related condition. Last evaluated: 2024-07-25. Review status: no assertion criteria provided. Collection method: clinical testing. Allele origin: germline. Not counted in ClinVar's aggregate classification.
Comment: The LRBA c.3119A>G variant is predicted to result in the amino acid substitution p.Asn1040Ser. To our knowledge, this variant has not been reported in the literature. This variant is reported in 0.024% of alleles in individuals of African descent in gnomAD. At this time, the clinical significance of this variant is uncertain due to the absence of conclusive functional and genetic evidence.

NM_001364905.1(LRBA):c.3119A>G (p.Asn1040Ser)

Gene: LRBA (LPS responsive beige-like anchor protein; minus strand). Cytogenetic location: 4q31.3.
Variant type: single nucleotide variant.
Coding change: c.3119A>G on transcript NM_001364905.1 (MANE Select); coding-DNA position 3119, A replaced by G.
Protein change: p.Asn1040Ser; replaces asparagine 1040 with serine.
Molecular consequence: missense variant.
Genome position (GRCh38, 1-based): chr4:150,852,591, T>C on the plus strand (A>G on the coding strand, the complement: LRBA is on the minus strand). VCF-style: chr4-150852591-T-C. GRCh37 (hg19) VCF-style: chr4-151773743-T-C.
Other names: c.3119A>G, p.Asn1040Ser (NM_001199282.3, NM_001367550.1, NM_006726.5); short protein forms N1040S.
Identifiers: ClinVar variation 937352 (VCV000937352.11), dbSNP rs139100556, ClinGen allele CA3103093.
Genomic context (GRCh38, chr4:150,852,591, plus strand): 5'-ATAGCCACAGCTTCTATTATGTCAGAAGATACTTCTAAATCATCTGCATTCCTTGTCTCA[T>C]TTGTCAGTGTTTCTTCCAAAGTGCCTTCATCTGGTAACTCCTGATTTTCTTGCTCAGCTT-3'
Protein context (NP_001351834.1, residues 1030-1050): DEGTLEETLT[Asn1040Ser]ETRNADDLEV